The following is an entry in ClinVar:

NM_001099922.3(ALG13):c.2933-15G>T

Gene: ALG13 (ALG13 UDP-N-acetylglucosaminyltransferase subunit; plus strand). Cytogenetic location: Xq23.
Variant type: single nucleotide variant.
Coding change: c.2933-15G>T on transcript NM_001099922.3 (MANE Select); 15 bases into the intron before coding-DNA position 2933, G replaced by T.
Molecular consequence: intron variant.
Genome position (GRCh38, 1-based): chrX:111,752,775, G>T. VCF-style: chrX-111752775-G-T. GRCh37 (hg19) VCF-style: chrX-110996003-G-T.
Other names: c.2384-15G>T (NM_001257237.2, NM_001257234.2, NM_001257230.2); c.2210-15G>T (NM_001324293.1); c.2699-15G>T (NM_001257231.2); c.2696-15G>T (NM_001324292.2).
Identifiers: ClinVar variation 383977 (VCV000383977.11), dbSNP rs372767806, ClinGen allele CA10494011.
Genomic context (GRCh38, chrX:111,752,775, plus strand): 5'-CAGAAAAGCTTTTAAAAGATAATTCTAATTGCTTATGTCAGTCAAGTCACTAATTTTTTT[G>T]ATTTTTAATTTTAGATACAAAAGTTTTGCAGTACTATTTCAATCTAGGATTGCAGGTAAG-3'

ClinVar aggregate classification (germline): Benign/Likely benign. Review status: criteria provided, multiple submitters, no conflicts (2 of 4 stars). 4 submissions from 4 submitters: Benign (2); Likely benign (2). Last evaluated 2025-08-20.

Conditions:
Developmental and epileptic encephalopathy, 36 (DEE36). Also called: ALG13-CDG; Epileptic encephalopathy, early infantile, 36; Congenital disorder of glycosylation, type Is. Identifiers: Orphanet 324422, MedGen C4317295, MONDO:0010472, OMIM 300884.

Allele frequency attached by ClinVar (database versions not stated): gnomAD exomes 0.00001 and 0.00006; gnomAD 0.00008; ExAC 0.00009; TOPMed 0.00009; 1000 Genomes Project 30x 0.00021; ESP Exome Variant Server 0.00025; 1000 Genomes Project 0.00026.
gnomAD v4.1: 22 of 1,143,973 alleles (0.0019%); highest among the groups gnomAD compares: East Asian, 0.018%; no homozygotes.

Submissions (4):

Labcorp Genetics (formerly Invitae), Labcorp
Classification: Benign for Developmental and epileptic encephalopathy, 36. Last evaluated: 2025-08-20. Review status: criteria provided, single submitter. Criteria: Invitae Variant Classification Sherloc (09022015). Collection method: clinical testing. Allele origin: germline.

Genome-Nilou Lab
Classification: Benign for Developmental and epileptic encephalopathy, 36. Last evaluated: 2021-12-05. Review status: criteria provided, single submitter. Criteria: ACMG Guidelines, 2015. Collection method: clinical testing. Allele origin: germline. Affected: no.

Fulgent Genetics
Classification: Likely benign for Developmental and epileptic encephalopathy, 36. Last evaluated: 2021-10-28. Review status: criteria provided, single submitter. Criteria: ACMG Guidelines, 2015. Collection method: clinical testing. Allele origin: unknown.

GeneDx
Classification: Likely benign. Last evaluated: 2017-04-13. Review status: criteria provided, single submitter. Criteria: GeneDx Variant Classification (06012015). Collection method: clinical testing. Allele origin: germline. Affected: yes.
Comment: This variant is considered likely benign or benign based on one or more of the following criteria: it is a conservative change, it occurs at a poorly conserved position in the protein, it is predicted to be benign by multiple in silico algorithms, and/or has population frequency not consistent with disease.